The following is an entry in ClinVar:

ClinVar aggregate classification (germline): Conflicting classifications of pathogenicity. Review status: criteria provided, conflicting classifications (1 of 4 stars). 3 submissions from 3 submitters: Uncertain significance (2); Likely benign (1). Last evaluated 2026-04-28.

Conditions:
Hereditary cancer-predisposing syndrome. Also called: Hereditary neoplastic syndrome; Neoplastic Syndromes, Hereditary; Tumor predisposition; Hereditary Cancer Syndrome. Identifiers: Orphanet 140162, MedGen C0027672, MeSH D009386, MONDO:0015356.
Juvenile polyposis syndrome (JPS). Identifiers: Orphanet 2929, MedGen C0345893, MONDO:0017380, OMIM 174900.

Submissions (3):

Ambry Genetics
Classification: Uncertain significance for Hereditary cancer-predisposing syndrome. Last evaluated: 2026-04-28. Review status: criteria provided, single submitter. Criteria: Ambry Variant Classification Scheme 2023. Collection method: clinical testing. Allele origin: germline.
Comment: The c.1166+3G>A intronic variant results from a G to A substitution 3 nucleotides after coding exon 8 in the BMPR1A gene. This nucleotide position is not well conserved in available vertebrate species. In silico splice site analysis predicts that this alteration will not have any significant effect on splicing. Based on the available evidence, the clinical significance of this variant remains unclear.

Labcorp Genetics (formerly Invitae), Labcorp
Classification: Uncertain significance for Juvenile polyposis syndrome. Last evaluated: 2025-10-10. Review status: criteria provided, single submitter. Criteria: Invitae Variant Classification Sherloc (09022015). Collection method: clinical testing. Allele origin: germline.
Comment: This sequence change falls in intron 10 of the BMPR1A gene. It does not directly change the encoded amino acid sequence of the BMPR1A protein. It affects a nucleotide within the consensus splice site. This variant is not present in population databases (gnomAD no frequency). This variant has not been reported in the literature in individuals affected with BMPR1A-related conditions. ClinVar contains an entry for this variant (Variation ID: 2962393). Variants that disrupt the consensus splice site are a relatively common cause of aberrant splicing (PMID: 17576681, 9536098). Algorithms developed to predict the effect of sequence changes on RNA splicing suggest that this variant is not likely to affect RNA splicing. In summary, the available evidence is currently insufficient to determine the role of this variant in disease. Therefore, it has been classified as a Variant of Uncertain Significance.

Myriad Genetics, Inc.
Classification: Likely benign for Juvenile polyposis syndrome. Last evaluated: 2024-08-06. Review status: criteria provided, single submitter. Criteria: Myriad Autosomal Dominant, Autosomal Recessive and X-Linked Classification Criteria (2023). Collection method: clinical testing. Allele origin: unknown.
Comment: This variant is considered likely benign. This variant is intronic and is not expected to impact mRNA splicing.

Literature cited by the submitters: PubMed 17576681 (cited by Labcorp Genetics (formerly Invitae), Labcorp); PubMed 9536098 (cited by Labcorp Genetics (formerly Invitae), Labcorp).

NM_004329.3(BMPR1A):c.1166+3G>A

Gene: BMPR1A (bone morphogenetic protein receptor type 1A; plus strand). Cytogenetic location: 10q23.2.
Variant type: single nucleotide variant.
Coding change: c.1166+3G>A on transcript NM_004329.3 (MANE Select); 3 bases into the intron after coding-DNA position 1166, G replaced by A.
Molecular consequence: intron variant.
Genome position (GRCh38, 1-based): chr10:86,919,472, G>A. VCF-style: chr10-86919472-G-A. GRCh37 (hg19) VCF-style: chr10-88679229-G-A.
Other names: c.1166+3G>A (NM_001406562.1, NM_001406568.1, NM_001406567.1 and 20 more transcripts); c.1082+3G>A (NM_001406584.1, NM_001406588.1, NM_001406587.1 and 2 more transcripts); c.1214+3G>A (NM_001406560.1); c.1241+3G>A (NM_001406559.1); c.1160+3G>A (NM_001406583.1); c.824+3G>A (NM_001406589.1).
Identifiers: ClinVar variation 2962393 (VCV002962393.5), dbSNP rs2133594431, ClinGen allele CA2740093471.